The following is an entry in ClinVar:

ClinVar aggregate classification (germline): Likely benign (1 of 4 stars; one submission).

Submission:

CeGaT Center for Human Genetics Tuebingen
Classification: Likely benign. Last evaluated: 2026-02-01. Review status: criteria provided, single submitter. Criteria: CeGaT Center For Human Genetics Tuebingen Variant Classification Criteria Version 2. Collection method: clinical testing. Allele origin: germline. Affected: yes. Observed: 1 variant allele.
Comment: ADGRL1: BP4, BP7, BS1

NM_014921.5(ADGRL1):c.3591C>G (p.Thr1197=)

Genes: ADGRL1-AS1 (ADGRL1 antisense RNA 1; plus strand), ADGRL1 (adhesion G protein-coupled receptor L1; minus strand). Cytogenetic location: 19p13.12.
Variant type: single nucleotide variant.
Coding change: c.3591C>G on transcript NM_014921.5 (MANE Select); coding-DNA position 3591, C replaced by G.
Protein change: p.Thr1197=; no amino-acid change (threonine 1197 retained).
Molecular consequence: synonymous variant.
Genome position (GRCh38, 1-based): chr19:14,152,367, G>C on the plus strand (C>G on the coding strand, the complement: ADGRL1 is on the minus strand). VCF-style: chr19-14152367-G-C. GRCh37 (hg19) VCF-style: chr19-14263179-G-C.
Other names: c.3606C>G, p.Thr1202= (NM_001008701.3).
Identifiers: ClinVar variation 4821180 (VCV004821180.4).